The following is an entry in ClinVar:

NM_000038.6(APC):c.2700T>C (p.Ser900=)

Gene: APC (APC regulator of Wnt signaling pathway; plus strand). Cytogenetic location: 5q22.2.
Variant type: single nucleotide variant.
Coding change: c.2700T>C on transcript NM_000038.6 (MANE Select); coding-DNA position 2700, T replaced by C.
Protein change: p.Ser900=; no amino-acid change (serine 900 retained).
Molecular consequence: synonymous variant.
Genome position (GRCh38, 1-based): chr5:112,838,294, T>C. VCF-style: chr5-112838294-T-C. GRCh37 (hg19) VCF-style: chr5-112173991-T-C.
Other names: c.2700T>C, p.Ser900= (NM_001127510.3, NM_001354895.2); c.2646T>C, p.Ser882= (NM_001127511.3); c.2754T>C, p.Ser918= (NM_001354896.2); c.2730T>C, p.Ser910= (NM_001354897.2); c.2625T>C, p.Ser875= (NM_001354898.2); c.2616T>C, p.Ser872= (NM_001354899.2); c.2577T>C, p.Ser859= (NM_001354900.2); c.2523T>C, p.Ser841= (NM_001354901.2); and 5 more.
Identifiers: ClinVar variation 469767 (VCV000469767.11), dbSNP rs1554084399, ClinGen allele CA445963017.

ClinVar aggregate classification (germline): Benign/Likely benign. Review status: criteria provided, multiple submitters, no conflicts (2 of 4 stars). 2 submissions from 2 submitters: Benign (1); Likely benign (1). Last evaluated 2024-03-15.

Conditions:
Familial adenomatous polyposis 1 (FAP1). Also called: POLYPOSIS, ADENOMATOUS INTESTINAL; FAMILIAL ADENOMATOUS POLYPOSIS 1, ATTENUATED. Identifiers: MedGen C2713442, MONDO:0021056, OMIM 175100. Disease mechanism: loss of function.

Submissions (2):

Myriad Genetics, Inc.
Classification: Benign for Familial adenomatous polyposis 1. Last evaluated: 2024-03-15. Review status: criteria provided, single submitter. Criteria: Myriad Autosomal Dominant, Autosomal Recessive and X-Linked Classification Criteria (2023). Collection method: clinical testing. Allele origin: unknown.
Comment: This variant is considered benign. This variant is a silent/synonymous amino acid change and it is not expected to impact splicing.

Labcorp Genetics (formerly Invitae), Labcorp
Classification: Likely benign for Familial adenomatous polyposis 1. Last evaluated: 2017-02-15. Review status: criteria provided, single submitter. Criteria: Invitae Variant Classification Sherloc (09022015). Collection method: clinical testing. Allele origin: germline.